The following is an entry in ClinVar:

ClinVar aggregate classification (germline): Pathogenic (1 of 4 stars; one submission).

Submission:

Labcorp Genetics (formerly Invitae), Labcorp
Classification: Pathogenic. Last evaluated: 2019-08-19. Review status: criteria provided, single submitter. Criteria: Invitae Variant Classification Sherloc (09022015). Collection method: clinical testing. Allele origin: germline.
Comment: For these reasons, this variant has been classified as Pathogenic. Loss-of-function variants in XPC are known to be pathogenic (PMID: 23173980, 25256075). This variant has not been reported in the literature in individuals with XPC-related disease. This variant is a gross deletion of the genomic region encompassing exons 1-3 of the XPC gene, which includes the initiator codon. The 5' end of this event is unknown as it extends beyond the assayed region for this gene and therefore may encompass additional genes. The 3' boundary is likely confined to intron 3 of the XPC gene. This is expected to result in an absent or disrupted protein product.

Literature cited by the submitters: PubMed 23173980; PubMed 25256075.

NC_000003.12:g.(?_14170428)_(14178939_?)del

Genes: LSM3 (LSM3 homolog, U6 small nuclear RNA and mRNA degradation associated; plus strand), XPC (XPC complex subunit, DNA damage recognition and repair factor; minus strand). Cytogenetic location: 3p25.1.
Variant type: Deletion.
Identifiers: ClinVar variation 831828 (VCV000831828.7).